The following is an entry in ClinVar:

NM_001375567.1(FOCAD):c.1958C>A (p.Pro653Gln)

Gene: FOCAD (focadhesin; plus strand). Cytogenetic location: 9p21.3.
Variant type: single nucleotide variant.
Coding change: c.1958C>A on transcript NM_001375567.1 (MANE Select); coding-DNA position 1958, C replaced by A.
Protein change: p.Pro653Gln; replaces proline 653 with glutamine.
Molecular consequence: missense variant.
Genome position (GRCh38, 1-based): chr9:20,862,615, C>A. VCF-style: chr9-20862615-C-A. GRCh37 (hg19) VCF-style: chr9-20862614-C-A.
Other names: c.1853C>A, p.Pro618Gln (NM_001375568.1, NM_001375570.1); c.1958C>A, p.Pro653Gln (NM_017794.5); short protein forms P618Q, P653Q.
Identifiers: ClinVar variation 3516489 (VCV003516489.3).

ClinVar aggregate classification (germline): Uncertain significance. Review status: criteria provided, multiple submitters, no conflicts (2 of 4 stars). 2 submissions from 2 submitters: Uncertain significance (2). Last evaluated 2024-08-14.

Conditions:
Inborn genetic diseases. Identifiers: MedGen C0950123, MeSH D030342.

gnomAD v4.1: 8 of 1,613,450 alleles (0.0005%); highest among the groups gnomAD compares: African/African-American, 0.0013%; no homozygotes.

Submissions (2):

Ambry Genetics
Classification: Uncertain significance for Inborn genetic diseases. Last evaluated: 2024-08-14. Review status: criteria provided, single submitter. Criteria: Ambry Variant Classification Scheme 2023. Collection method: clinical testing. Allele origin: germline.

Labcorp Genetics (formerly Invitae), Labcorp
Classification: Uncertain significance. Last evaluated: 2024-08-11. Review status: criteria provided, single submitter. Criteria: Invitae Variant Classification Sherloc (09022015). Collection method: clinical testing. Allele origin: germline.
Comment: This sequence change replaces proline, which is neutral and non-polar, with glutamine, which is neutral and polar, at codon 653 of the FOCAD protein (p.Pro653Gln). This variant is present in population databases (rs560989479, gnomAD 0.003%). This variant has not been reported in the literature in individuals affected with FOCAD-related conditions. Experimental studies and prediction algorithms are not available or were not evaluated, and the functional significance of this variant is currently unknown. In summary, the available evidence is currently insufficient to determine the role of this variant in disease. Therefore, it has been classified as a Variant of Uncertain Significance.